The following is an entry in ClinVar:

ClinVar aggregate classification (germline): Uncertain significance (1 of 4 stars; one submission).

Conditions:
Long QT syndrome (LQTS). Identifiers: MedGen C0023976, MeSH D008133, MONDO:0002442. Disease mechanism: loss of function. Inheritance: Various modes of inheritance.

Submission:

Labcorp Genetics (formerly Invitae), Labcorp
Classification: Uncertain significance for Long QT syndrome. Last evaluated: 2017-06-25. Review status: criteria provided, single submitter. Criteria: Invitae Variant Classification Sherloc (09022015). Collection method: clinical testing. Allele origin: germline.
Comment: In summary, the available evidence is currently insufficient to determine the role of this variant in disease. Therefore, it has been classified as a Variant of Uncertain Significance. Algorithms developed to predict the effect of missense changes on protein structure and function do not agree on the potential impact of this missense change (SIFT: "Deleterious"; PolyPhen-2: "Probably Damaging"; Align-GVGD: "Class C0"). This variant has not been reported in the literature in individuals with CACNA1C-related disease. This variant is not present in population databases (ExAC no frequency). This sequence change replaces glycine with aspartic acid at codon 1133 of the CACNA1C protein (p.Gly1133Asp). The glycine residue is highly conserved and there is a moderate physicochemical difference between glycine and aspartic acid.

NM_000719.7(CACNA1C):c.3398G>A (p.Gly1133Asp)

Gene: CACNA1C (calcium voltage-gated channel subunit alpha1 C; plus strand). Cytogenetic location: 12p13.33.
Variant type: single nucleotide variant.
Coding change: c.3398G>A on transcript NM_000719.7 (MANE Select); coding-DNA position 3398, G replaced by A.
Protein change: p.Gly1133Asp; replaces glycine 1133 with aspartic acid.
Molecular consequence: missense variant.
Genome position (GRCh38, 1-based): chr12:2,608,552, G>A. VCF-style: chr12-2608552-G-A. GRCh37 (hg19) VCF-style: chr12-2717718-G-A.
Other names: c.3458G>A, p.Gly1153Asp (NM_001129827.2, NM_001129832.2, NM_199460.4); c.3398G>A, p.Gly1133Asp (NM_001129829.2, NM_001129830.3, NM_001129831.2 and 15 more transcripts); c.3389G>A, p.Gly1130Asp (NM_001129844.2); short protein forms G1133D, G1153D, G1130D.
Identifiers: ClinVar variation 456965 (VCV000456965.9), dbSNP rs1555884489, ClinGen allele CA383375297.
Genomic context (GRCh38, chr12:2,608,552, plus strand): 5'-GACCTGTCTCCTCCTGCAGGCTGCTGTACCGCTCCATCGACTCCCACACGGAAGACAAGG[G>A]CCCCATCTACAACTACCGTGTGGAGATCTCCATCTTCTTCATCATCTACATCATCATCAT-3'
Protein context (NP_000710.5, residues 1123-1143): RSIDSHTEDK[Gly1133Asp]PIYNYRVEIS